The following is an entry in ClinVar:

NM_001278431.2(C1QTNF5):c.563C>T (p.Pro188Leu)

Genes: C1QTNF5 (C1q and TNF related 5; minus strand), MFRP (membrane frizzled-related protein; minus strand). Cytogenetic location: 11q23.3.
Variant type: single nucleotide variant.
Coding change: c.563C>T on transcript NM_001278431.2 (MANE Select); coding-DNA position 563, C replaced by T.
Protein change: p.Pro188Leu; replaces proline 188 with leucine.
Molecular consequence: missense variant. On other transcripts: 3 prime UTR variant (1).
Genome position (GRCh38, 1-based): chr11:119,339,500, G>A on the plus strand (C>T on the coding strand, the complement: C1QTNF5 is on the minus strand). VCF-style: chr11-119339500-G-A. GRCh37 (hg19) VCF-style: chr11-119210210-G-A.
Other names: c.563C>T, p.Pro188Leu (NM_015645.5); c.*1459C>T (NM_031433.4); short protein forms P188L.
Identifiers: ClinVar variation 865827 (VCV000865827.10), dbSNP rs1950474024, ClinGen allele CA382968497.
Genomic context (GRCh38, chr11:119,339,500, plus strand): 5'-TGCACCCACACTTGGTCCTCAGGCTCCAGCCTCACCATGGCCCCCCCCGAGAGCGAGGCT[G>A]GCTTGGGCCACCCCCCGAAAAACTGGAAGAAAGAGGCAATGGATTCGCCATTCTTCACCA-3'
Protein context (NP_001265360.1, residues 178-198): FFQFFGGWPK[Pro188Leu]ASLSGGAMVR

ClinVar aggregate classification (germline): Conflicting classifications of pathogenicity. Review status: criteria provided, conflicting classifications (1 of 4 stars). 2 submissions from 2 submitters: Pathogenic (1); Uncertain significance (1). Last evaluated 2022-09-18.

Submissions (2):

Labcorp Genetics (formerly Invitae), Labcorp
Classification: Pathogenic. Last evaluated: 2022-09-18. Review status: criteria provided, single submitter. Criteria: Invitae Variant Classification Sherloc (09022015). Collection method: clinical testing. Allele origin: germline.
Comment: This variant disrupts the p.Pro188 amino acid residue in C1QTNF5. Other variant(s) that disrupt this residue have been determined to be pathogenic (PMID: 28939808). This suggests that this residue is clinically significant, and that variants that disrupt this residue are likely to be disease-causing. For these reasons, this variant has been classified as Pathogenic. Algorithms developed to predict the effect of missense changes on protein structure and function (SIFT, PolyPhen-2, Align-GVGD) all suggest that this variant is likely to be disruptive. ClinVar contains an entry for this variant (Variation ID: 865827). This missense change has been observed in individuals with clinical features of late-onset retinal degeneration (PMID: 32036094; Invitae). It has also been observed to segregate with disease in related individuals. This variant is not present in population databases (gnomAD no frequency). This sequence change replaces proline, which is neutral and non-polar, with leucine, which is neutral and non-polar, at codon 188 of the C1QTNF5 protein (p.Pro188Leu).

Blueprint Genetics
Classification: Uncertain significance. Last evaluated: 2018-12-13. Review status: criteria provided, single submitter. Criteria: ACMG Guidelines, 2015. Collection method: clinical testing. Allele origin: germline.

Literature cited by the submitters: PubMed 28939808 (cited by Labcorp Genetics (formerly Invitae), Labcorp); PubMed 32036094 (cited by Labcorp Genetics (formerly Invitae), Labcorp).